The following is an entry in ClinVar:

NM_025114.4(CEP290):c.4983del (p.Lys1661_Val1662insTer)

Gene: CEP290 (centrosomal protein 290; minus strand). Cytogenetic location: 12q21.32.
Variant type: Deletion.
Coding change: c.4983del on transcript NM_025114.4 (MANE Select); coding-DNA position 4983, one base deleted (A; older notation c.4983delA).
Protein change: p.Lys1661_Val1662insTer.
Molecular consequence: frameshift variant.
Genome position (GRCh38, 1-based): chr12:88,083,060, T deleted on the plus strand (A on the coding strand, the reverse complement: CEP290 is on the minus strand); the first of 4 consecutive T bases (chr12:88,083,060-88,083,063); deleting any one gives the same sequence. VCF-style (leftmost placement, unchanged base first): chr12-88083059-CT-C. GRCh37 (hg19) VCF-style: chr12-88476836-CT-C.
Identifiers: ClinVar variation 1074486 (VCV001074486.9), dbSNP rs879447211, ClinGen allele CA241156568.

ClinVar aggregate classification (germline): Pathogenic/Likely pathogenic. Review status: criteria provided, multiple submitters, no conflicts (2 of 4 stars). 3 submissions from 3 submitters: Pathogenic (2); Likely pathogenic (1). Last evaluated 2025-06-23.

Conditions:
CEP290-related ciliopathy. Also called: CEP290 ciliopathy. Identifiers: MedGen CN305601, MONDO:0100451.
Joubert syndrome. Also called: Familial aplasia of the vermis; CEREBELLOPARENCHYMAL DISORDER IV; JOUBERT-BOLTSHAUSER SYNDROME. Identifiers: Orphanet 475, MedGen C5979921, MONDO:0018772.
Meckel-Gruber syndrome. Also called: Dysencephalia splachnocystica; DYSENCEPHALIA SPLANCHNOCYSTICA; GRUBER SYNDROME. Identifiers: Orphanet 564, MedGen C0265215, MONDO:0018921.
Nephronophthisis. Also called: Juvenile Nephronophthisis. Identifiers: Orphanet 655, MedGen C0687120, MONDO:0019005, HP:0000090.
Leber congenital amaurosis 10 (LCA10). Identifiers: Orphanet 65, MedGen C1857821, MONDO:0012723, OMIM 611755.
Meckel syndrome, type 4 (MKS4). Also called: MECKEL-GRUBER SYNDROME, TYPE 4. Identifiers: Orphanet 564, MedGen C1970161, MONDO:0012626, OMIM 611134.
Joubert syndrome 5 (JBTS5). Identifiers: Orphanet 2318, MedGen C1857780, MONDO:0012432, OMIM 610188.
Bardet-Biedl syndrome 14 (BBS14). Identifiers: Orphanet 110, MedGen C2673874, MONDO:0014442, OMIM 615991.
Senior-Loken syndrome 6 (SLSN6). Identifiers: Orphanet 3156, MedGen C1857779, MONDO:0012433, OMIM 610189.

Submissions (3):

Myriad Genetics, Inc.
Classification: Pathogenic for CEP290-related ciliopathy. Last evaluated: 2025-06-23. Review status: criteria provided, single submitter. Criteria: Myriad Autosomal Dominant, Autosomal Recessive and X-Linked Classification Criteria (2023). Collection method: clinical testing. Allele origin: unknown.
Comment: NM_025114.3(CEP290):c.4983delA(V1662*) is a nonsense variant classified as pathogenic in the context of CEP290-related disorders. V1662* has not been observed in cases with relevant disease. Relevant functional assessments of this variant are not available in the literature. V1662* has been observed in referenced population frequency databases. In summary, NM_025114.3(CEP290):c.4983delA(V1662*) is a frameshift variant in a gene where loss of function is a known mechanism of disease and is predicted to disrupt protein function. Please note: this variant was assessed in the context of healthy population screening.

Fulgent Genetics
Classification: Likely pathogenic for Joubert syndrome 5; Senior-Loken syndrome 6; Meckel syndrome, type 4; Leber congenital amaurosis 10; Bardet-Biedl syndrome 14. Last evaluated: 2024-05-20. Review status: criteria provided, single submitter. Criteria: ACMG Guidelines, 2015. Collection method: clinical testing. Allele origin: germline.

Labcorp Genetics (formerly Invitae), Labcorp
Classification: Pathogenic for Joubert syndrome; Meckel-Gruber syndrome; Nephronophthisis. Last evaluated: 2023-03-19. Review status: criteria provided, single submitter. Criteria: Invitae Variant Classification Sherloc (09022015). Collection method: clinical testing. Allele origin: germline.
Comment: For these reasons, this variant has been classified as Pathogenic. Algorithms developed to predict the effect of sequence changes on RNA splicing suggest that this variant may disrupt the consensus splice site. ClinVar contains an entry for this variant (Variation ID: 1074486). This variant has not been reported in the literature in individuals affected with CEP290-related conditions. This variant is present in population databases (no rsID available, gnomAD 0.002%). This sequence change creates a premature translational stop signal (p.Val1662*) in the CEP290 gene. It is expected to result in an absent or disrupted protein product. Loss-of-function variants in CEP290 are known to be pathogenic (PMID: 16909394, 17345604, 20690115).

Literature cited by the submitters: PubMed 16909394 (cited by Labcorp Genetics (formerly Invitae), Labcorp); PubMed 17345604 (cited by Labcorp Genetics (formerly Invitae), Labcorp); PubMed 20690115 (cited by Labcorp Genetics (formerly Invitae), Labcorp).